The following is an entry in ClinVar:

NM_000179.3(MSH6):c.3018C>T (p.Tyr1006=)

Gene: MSH6 (mutS homolog 6; plus strand). Cytogenetic location: 2p16.3.
Variant type: single nucleotide variant.
Coding change: c.3018C>T on transcript NM_000179.3 (MANE Select); coding-DNA position 3018, C replaced by T.
Protein change: p.Tyr1006=; no amino-acid change (tyrosine 1006 retained).
Molecular consequence: synonymous variant.
Genome position (GRCh38, 1-based): chr2:47,801,001, C>T. VCF-style: chr2-47801001-C-T. GRCh37 (hg19) VCF-style: chr2-48028140-C-T.
Other names: c.2628C>T, p.Tyr876= (NM_001281492.2); c.2112C>T, p.Tyr704= (NM_001281493.2, NM_001281494.2).
Identifiers: ClinVar variation 455229 (VCV000455229.17), dbSNP rs1553414395, ClinGen allele CA426121678.

ClinVar aggregate classification (germline): Benign/Likely benign. Review status: criteria provided, multiple submitters, no conflicts (2 of 4 stars). 5 submissions from 5 submitters: Benign (1); Likely benign (4). Last evaluated 2025-01-02.

Conditions:
Hereditary nonpolyposis colorectal neoplasms. Identifiers: MedGen C0009405, MeSH D003123.
Hereditary cancer-predisposing syndrome. Also called: Hereditary Cancer Syndrome; Hereditary neoplastic syndrome; Neoplastic Syndromes, Hereditary; Tumor predisposition. Identifiers: Orphanet 140162, MedGen C0027672, MeSH D009386, MONDO:0015356.
Lynch syndrome. Identifiers: Orphanet 144, MedGen C4552100, MONDO:0005835. Disease mechanism: loss of function.
Lynch syndrome 5 (LYNCH5). Also called: Hereditary non-polyposis colorectal cancer, type 5; Colorectal cancer, hereditary nonpolyposis, type 5. Identifiers: Orphanet 144, MedGen C1833477, MONDO:0013710, OMIM 614350. Disease mechanism: loss of function.

Allele frequency attached by ClinVar (database versions not stated): gnomAD exomes below 0.00001.
gnomAD v4.1: 1 of 1,567,200 alleles (0.000064%); highest among the groups gnomAD compares: Non-Finnish European, 0.000086%; no homozygotes.

Submissions (5):

Myriad Genetics, Inc.
Classification: Benign for Lynch syndrome 5. Last evaluated: 2025-01-02. Review status: criteria provided, single submitter. Criteria: Myriad Autosomal Dominant, Autosomal Recessive and X-Linked Classification Criteria (2023). Collection method: clinical testing. Allele origin: unknown.
Comment: This variant is considered benign. This variant is a silent/synonymous amino acid change and it is not expected to impact splicing.

Labcorp Genetics (formerly Invitae), Labcorp
Classification: Likely benign for Hereditary nonpolyposis colorectal neoplasms. Last evaluated: 2023-07-22. Review status: criteria provided, single submitter. Criteria: Invitae Variant Classification Sherloc (09022015). Collection method: clinical testing. Allele origin: germline.

All of Us Research Program, National Institutes of Health
Classification: Likely benign for Lynch syndrome. Last evaluated: 2023-06-26. Review status: criteria provided, single submitter. Criteria: ACMG Guidelines, 2015. Collection method: clinical testing. Allele origin: germline. Inheritance: Autosomal dominant inheritance. Observed: 1 variant allele, 1 heterozygote.
Comment: This study involves interpretation of variants in research participants for the purpose of population health screening. Participant phenotype was not available at the time of variant classification. Additional details can be found in publication PMID: 35346344, PMCID: PMC8962531

Ambry Genetics
Classification: Likely benign for Hereditary cancer-predisposing syndrome. Last evaluated: 2023-02-21. Review status: criteria provided, single submitter. Criteria: Ambry Variant Classification Scheme 2023. Collection method: clinical testing. Allele origin: germline.

Color Diagnostics, LLC DBA Color Health
Classification: Likely benign for Hereditary cancer-predisposing syndrome. Last evaluated: 2022-11-06. Review status: criteria provided, single submitter. Criteria: ACMG Guidelines, 2015. Collection method: clinical testing. Allele origin: germline.